The following is an entry in ClinVar:

NM_001128840.3(CACNA1D):c.5626A>G (p.Ile1876Val)

Gene: CACNA1D (calcium voltage-gated channel subunit alpha1 D; plus strand). Cytogenetic location: 3p21.1.
Variant type: single nucleotide variant.
Coding change: c.5626A>G on transcript NM_001128840.3 (MANE Select); coding-DNA position 5626, A replaced by G.
Protein change: p.Ile1876Val; replaces isoleucine 1876 with valine.
Molecular consequence: missense variant.
Genome position (GRCh38, 1-based): chr3:53,805,023, A>G. VCF-style: chr3-53805023-A-G. GRCh37 (hg19) VCF-style: chr3-53839050-A-G.
Other names: c.5686A>G, p.Ile1896Val (NM_000720.4); c.5554A>G, p.Ile1852Val (NM_001128839.3); short protein forms I1852V, I1876V, I1896V.
Identifiers: ClinVar variation 4720339 (VCV004720339.1).

ClinVar aggregate classification (germline): Uncertain significance (1 of 4 stars; one submission).

Submission:

Labcorp Genetics (formerly Invitae), Labcorp
Classification: Uncertain significance. Last evaluated: 2025-05-27. Review status: criteria provided, single submitter. Criteria: Invitae Variant Classification Sherloc (09022015). Collection method: clinical testing. Allele origin: germline.
Comment: This sequence change replaces isoleucine, which is neutral and non-polar, with valine, which is neutral and non-polar, at codon 1896 of the CACNA1D protein (p.Ile1896Val). This variant is not present in population databases (gnomAD no frequency). This variant has not been reported in the literature in individuals affected with CACNA1D-related conditions. An algorithm developed to predict the effect of missense changes on protein structure and function outputs the following: PolyPhen-2: "Benign". The valine amino acid residue is found in multiple mammalian species, which suggests that this missense change does not adversely affect protein function. In summary, the available evidence is currently insufficient to determine the role of this variant in disease. Therefore, it has been classified as a Variant of Uncertain Significance.